The following is an entry in ClinVar:

NM_206933.4(USH2A):c.1985G>C (p.Cys662Ser)

Gene: USH2A (usherin; minus strand). Cytogenetic location: 1q41.
Variant type: single nucleotide variant.
Coding change: c.1985G>C on transcript NM_206933.4 (MANE Select); coding-DNA position 1985, G replaced by C.
Protein change: p.Cys662Ser; replaces cysteine 662 with serine.
Molecular consequence: missense variant.
Genome position (GRCh38, 1-based): chr1:216,251,085, C>G on the plus strand (G>C on the coding strand, the complement: USH2A is on the minus strand). VCF-style: chr1-216251085-C-G. GRCh37 (hg19) VCF-style: chr1-216424427-C-G.
Other names: c.1985G>C, p.Cys662Ser (NM_007123.6); short protein forms C662S.
Identifiers: ClinVar variation 1414732 (VCV001414732.9), dbSNP rs1487450999, ClinGen allele CA344866806.

ClinVar aggregate classification (germline): Conflicting classifications of pathogenicity. Review status: criteria provided, conflicting classifications (1 of 4 stars). 4 submissions from 4 submitters: Pathogenic (1); Likely pathogenic (2); Uncertain significance (1). Last evaluated 2025-07-04.

Conditions:
Usher syndrome type 2A. Also called: RETINAL DISEASE IN USHER SYNDROME TYPE IIA, MODIFIER OF; USHER SYNDROME, TYPE IIA. Identifiers: Orphanet 231178, Orphanet 886, MedGen C1848634, MONDO:0010169, OMIM 276901.

Allele frequency attached by ClinVar (database versions not stated): TOPMed below 0.00001.

Submissions (4):

Dasa
Classification: Uncertain significance. Last evaluated: 2025-07-04. Review status: criteria provided, single submitter. Criteria: DASA Assertion Criteria. Collection method: clinical testing. Allele origin: germline.
Comment: NM_206933.4(USH2A):c.1985G>C (p.Cys662Ser) is a missense variant that results in the substitution of cysteine with serine. This variant has been observed in affected individuals with USH2A-related disorders. Also, this variant is absent from population databases. Computational prediction algorithms are consistent with a deleterious effect. The currently available literature and clinical evidence are not sufficient to establish a definitive association between this variant and the reported condition. Therefore, this variant is classified as a variant of uncertain significance.

Labcorp Genetics (formerly Invitae), Labcorp
Classification: Pathogenic. Last evaluated: 2023-11-27. Review status: criteria provided, single submitter. Criteria: Invitae Variant Classification Sherloc (09022015). Collection method: clinical testing. Allele origin: germline.
Comment: This sequence change replaces cysteine, which is neutral and slightly polar, with serine, which is neutral and polar, at codon 662 of the USH2A protein (p.Cys662Ser). This variant is not present in population databases (gnomAD no frequency). This missense change has been observed in individual(s) with USH2A-related conditions (Invitae). In at least one individual the data is consistent with being in trans (on the opposite chromosome) from a pathogenic variant. It has also been observed to segregate with disease in related individuals. ClinVar contains an entry for this variant (Variation ID: 1414732). Advanced modeling of protein sequence and biophysical properties (such as structural, functional, and spatial information, amino acid conservation, physicochemical variation, residue mobility, and thermodynamic stability) performed at Invitae indicates that this missense variant is expected to disrupt USH2A protein function with a positive predictive value of 95%. For these reasons, this variant has been classified as Pathogenic.

Genome-Nilou Lab
Classification: Likely pathogenic for Usher syndrome type 2A. Last evaluated: 2023-11-04. Review status: criteria provided, single submitter. Criteria: ACMG Guidelines, 2015. Collection method: clinical testing. Allele origin: germline. Affected: no.

Mendelics
Classification: Likely pathogenic for Usher syndrome type 2A. Last evaluated: 2022-05-04. Review status: criteria provided, single submitter. Criteria: Mendelics Assertion Criteria 2019. Collection method: clinical testing. Allele origin: germline.